The following is an entry in ClinVar:

ClinVar aggregate classification (germline): Uncertain significance (1 of 4 stars; one submission).

Conditions:
Neuronopathy, distal hereditary motor, autosomal recessive 5. Also called: Spinal muscular atrophy, distal, autosomal recessive, 5; Young adult-onset distal hereditary motor neuropathy; NEUROPATHY, DISTAL HEREDITARY MOTOR, AUTOSOMAL RECESSIVE 5. Identifiers: Orphanet 314485, Orphanet 443950, MedGen C4749918, MONDO:0013947, OMIM 614881.

Allele frequency attached by ClinVar (database versions not stated): TOPMed below 0.00001.

Submission:

Labcorp Genetics (formerly Invitae), Labcorp
Classification: Uncertain significance for Neuronopathy, distal hereditary motor, autosomal recessive 5. Last evaluated: 2024-01-15. Review status: criteria provided, single submitter. Criteria: Invitae Variant Classification Sherloc (09022015). Collection method: clinical testing. Allele origin: germline.
Comment: This sequence change replaces serine, which is neutral and polar, with phenylalanine, which is neutral and non-polar, at codon 142 of the DNAJB2 protein (p.Ser142Phe). This variant is present in population databases (no rsID available, gnomAD 0.0009%). This variant has not been reported in the literature in individuals affected with DNAJB2-related conditions. Advanced modeling of protein sequence and biophysical properties (such as structural, functional, and spatial information, amino acid conservation, physicochemical variation, residue mobility, and thermodynamic stability) performed at Invitae indicates that this missense variant is not expected to disrupt DNAJB2 protein function with a negative predictive value of 80%. In summary, the available evidence is currently insufficient to determine the role of this variant in disease. Therefore, it has been classified as a Variant of Uncertain Significance.

NM_006736.6(DNAJB2):c.425C>T (p.Ser142Phe)

Gene: DNAJB2 (DnaJ heat shock protein family (Hsp40) member B2; plus strand). Cytogenetic location: 2q35.
Variant type: single nucleotide variant.
Coding change: c.425C>T on transcript NM_006736.6 (MANE Select); coding-DNA position 425, C replaced by T.
Protein change: p.Ser142Phe; replaces serine 142 with phenylalanine.
Molecular consequence: missense variant.
Genome position (GRCh38, 1-based): chr2:219,282,909, C>T. VCF-style: chr2-219282909-C-T. GRCh37 (hg19) VCF-style: chr2-220147631-C-T.
Other names: c.425C>T, p.Ser142Phe (NM_001039550.2); short protein forms S142F.
Identifiers: ClinVar variation 2997216 (VCV002997216.3), dbSNP rs1329001203, ClinGen allele CA350649853.